The following is an entry in ClinVar:

NM_001277115.2(DNAH11):c.7295G>A (p.Arg2432Gln)

Gene: DNAH11 (dynein axonemal heavy chain 11; plus strand). Cytogenetic location: 7p15.3.
Variant type: single nucleotide variant.
Coding change: c.7295G>A on transcript NM_001277115.2 (MANE Select); coding-DNA position 7295, G replaced by A.
Protein change: p.Arg2432Gln; replaces arginine 2432 with glutamine.
Molecular consequence: missense variant.
Genome position (GRCh38, 1-based): chr7:21,725,839, G>A. VCF-style: chr7-21725839-G-A. GRCh37 (hg19) VCF-style: chr7-21765457-G-A.
Other names: c.7316G>A (NM_003777.3); short protein forms R2432Q.
Identifiers: ClinVar variation 454704 (VCV000454704.11), dbSNP rs769003090, ClinGen allele CA4181183.

ClinVar aggregate classification (germline): Conflicting classifications of pathogenicity. Review status: criteria provided, conflicting classifications (1 of 4 stars). 2 submissions from 2 submitters: Uncertain significance (1); Benign (1). Last evaluated 2025-04-13.

Conditions:
Primary ciliary dyskinesia. Also called: Ciliary dyskinesia. Identifiers: Orphanet 244, MedGen C0008780, MONDO:0016575, HP:0012265.

Allele frequency attached by ClinVar (database versions not stated): gnomAD exomes 0.00002 and 0.00006; ExAC 0.00003; gnomAD 0.00014 and 0.00016; TOPMed 0.00017.
gnomAD v4.1: 48 of 1,611,674 alleles (0.003%); highest among the groups gnomAD compares: African/African-American, 0.041%; no homozygotes.

Submissions (2):

Labcorp Genetics (formerly Invitae), Labcorp
Classification: Benign for Primary ciliary dyskinesia. Last evaluated: 2025-04-13. Review status: criteria provided, single submitter. Criteria: Invitae Variant Classification Sherloc (09022015). Collection method: clinical testing. Allele origin: germline.

Ambry Genetics
Classification: Uncertain significance for Primary ciliary dyskinesia. Last evaluated: 2015-05-05. Review status: criteria provided, single submitter. Criteria: Ambry Variant Classification Scheme 2023. Collection method: clinical testing. Allele origin: germline.
Comment: The p.R2439Q variant (also known as c.7316G>A), located in coding exon 45 of the DNAH11 gene, results from a G to A substitution at nucleotide position 7316. The arginine at codon 2439 is replaced by glutamine, an amino acid with highly similar properties. This variant was not reported in population based cohorts in the following databases: Database of Single Nucleotide Polymorphisms (dbSNP), NHLBI Exome Sequencing Project (ESP), and 1000 Genomes Project. In the ESP, this variant was not observed in 5906 samples (11812 alleles) with coverage at this position. This amino acid position is not well conserved in available vertebrates and glutamine is the reference amino acid in several species. In addition, this alteration is predicted to be tolerated by in silico analysis. Since supporting evidence is limited at this time, the clinical significance of this variant remains unclear.